The following is an entry in ClinVar:

NM_000051.4(ATM):c.2543A>G (p.Glu848Gly)

Gene: ATM (ATM serine/threonine kinase; plus strand). Cytogenetic location: 11q22.3.
Variant type: single nucleotide variant.
Coding change: c.2543A>G on transcript NM_000051.4 (MANE Select); coding-DNA position 2543, A replaced by G.
Protein change: p.Glu848Gly; replaces glutamic acid 848 with glycine.
Molecular consequence: missense variant.
Genome position (GRCh38, 1-based): chr11:108,267,247, A>G. VCF-style: chr11-108267247-A-G. GRCh37 (hg19) VCF-style: chr11-108137974-A-G.
Other names: c.2543A>G, p.Glu848Gly (NM_001351834.2); short protein forms E848G.
Identifiers: ClinVar variation 407486 (VCV000407486.11), dbSNP rs1060501555, ClinGen allele CA16613369.

ClinVar aggregate classification (germline): Uncertain significance. Review status: criteria provided, multiple submitters, no conflicts (2 of 4 stars). 2 submissions from 2 submitters: Uncertain significance (2). Last evaluated 2025-09-05.

Conditions:
Hereditary cancer-predisposing syndrome. Also called: Hereditary neoplastic syndrome; Neoplastic Syndromes, Hereditary; Tumor predisposition; Hereditary Cancer Syndrome. Identifiers: Orphanet 140162, MedGen C0027672, MeSH D009386, MONDO:0015356.
Ataxia-telangiectasia syndrome (AT). Also called: Ataxia telangiectasia (A-T); LOUIS-BAR SYNDROME; Cerebello-oculocutaneous telangiectasia; Immunodeficiency with ataxia telangiectasia; Ataxia-telangiectasia, complementation group D; AT, COMPLEMENTATION GROUP C. Identifiers: Orphanet 100, MedGen C0004135, MONDO:0008840, OMIM 208900.

Allele frequency attached by ClinVar (database versions not stated): gnomAD exomes below 0.00001.
gnomAD v4.1: 1 of 1,614,098 alleles (0.000062%); highest among the groups gnomAD compares: Non-Finnish European, 0.000085%; no homozygotes.

Submissions (2):

Labcorp Genetics (formerly Invitae), Labcorp
Classification: Uncertain significance for Ataxia-telangiectasia syndrome. Last evaluated: 2025-09-05. Review status: criteria provided, single submitter. Criteria: Invitae Variant Classification Sherloc (09022015). Collection method: clinical testing. Allele origin: germline.
Comment: This sequence change replaces glutamic acid, which is acidic and polar, with glycine, which is neutral and non-polar, at codon 848 of the ATM protein (p.Glu848Gly). This variant is not present in population databases (gnomAD no frequency). This variant has not been reported in the literature in individuals affected with ATM-related conditions. ClinVar contains an entry for this variant (Variation ID: 407486). Invitae Evidence Modeling of protein sequence and biophysical properties (such as structural, functional, and spatial information, amino acid conservation, physicochemical variation, residue mobility, and thermodynamic stability) indicates that this missense variant is not expected to disrupt ATM protein function with a negative predictive value of 95%. In summary, the available evidence is currently insufficient to determine the role of this variant in disease. Therefore, it has been classified as a Variant of Uncertain Significance.

Ambry Genetics
Classification: Uncertain significance for Hereditary cancer-predisposing syndrome. Last evaluated: 2025-04-10. Review status: criteria provided, single submitter. Criteria: Ambry Variant Classification Scheme 2023. Collection method: clinical testing. Allele origin: germline.
Comment: The p.E848G variant (also known as c.2543A>G), located in coding exon 16 of the ATM gene, results from an A to G substitution at nucleotide position 2543. The glutamic acid at codon 848 is replaced by glycine, an amino acid with similar properties. This amino acid position is well conserved in available vertebrate species. In addition, this alteration is predicted to be tolerated by in silico analysis. Since supporting evidence is limited at this time, the clinical significance of this alteration remains unclear.